The following is an entry in ClinVar:

ClinVar aggregate classification (germline): Benign. Review status: criteria provided, multiple submitters, no conflicts (2 of 4 stars). 2 submissions from 2 submitters: Benign (2). Last evaluated 2018-12-27.

Submissions (2):

Labcorp Genetics (formerly Invitae), Labcorp
Classification: Benign. Last evaluated: 2018-12-27. Review status: criteria provided, single submitter. Criteria: Invitae Variant Classification Sherloc (09022015). Collection method: clinical testing. Allele origin: germline.

GeneDx
Classification: Benign. Last evaluated: 2018-06-14. Review status: criteria provided, single submitter. Criteria: GeneDx Variant Classification (06012015). Collection method: clinical testing. Allele origin: germline. Affected: yes.
Comment: This variant is considered likely benign or benign based on one or more of the following criteria: it is a conservative change, it occurs at a poorly conserved position in the protein, it is predicted to be benign by multiple in silico algorithms, and/or has population frequency not consistent with disease.

NM_000719.7(CACNA1C):c.4726+313dup

Genes: CACNA1C (calcium voltage-gated channel subunit alpha1 C; plus strand), CACNA1C-AS2 (CACNA1C antisense RNA 2; minus strand). Cytogenetic location: 12p13.33.
Variant type: Duplication.
Coding change: c.4726+313dup on transcript NM_000719.7 (MANE Select); 313 bases into the intron after coding-DNA position 4726, one base duplicated (A; older notation c.4726+313dupA).
Molecular consequence: intron variant.
Genome position (GRCh38, 1-based): chr12:2,669,348, A duplicated; the last of 10 consecutive A bases (chr12:2,669,339-2,669,348); duplicating any one gives the same sequence. VCF-style (leftmost placement, unchanged base first): chr12-2669338-G-GA. GRCh37 (hg19) VCF-style: chr12-2778504-G-GA.
Other names: c.4726+313dup (NM_001167624.3, NM_001167623.2, NM_001129840.2 and 7 more transcripts); c.4693+313dup (NM_001167625.2, NM_001129837.2, NM_001129838.2 and 1 more transcripts); c.4870+313dup (NM_199460.4, NM_001129827.2); c.4786+313dup (NM_001129832.2); c.4810+313dup (NM_001129831.2); c.4792+313dup (NM_001129829.2); c.4687+313dup (NM_001129839.2); c.4777+313dup (NM_001129836.2); and 1 more.
Identifiers: ClinVar variation 669624 (VCV000669624.4), dbSNP rs11424036, ClinGen allele CA231601096.